The following is an entry in ClinVar:

ClinVar aggregate classification (germline): Uncertain significance (1 of 4 stars; one submission).

Submission:

Labcorp Genetics (formerly Invitae), Labcorp
Classification: Uncertain significance. Last evaluated: 2024-03-08. Review status: criteria provided, single submitter. Criteria: Invitae Variant Classification Sherloc (09022015). Collection method: clinical testing. Allele origin: germline.
Comment: This sequence change replaces glycine, which is neutral and non-polar, with arginine, which is basic and polar, at codon 1927 of the POLE protein (p.Gly1927Arg). This variant is not present in population databases (gnomAD no frequency). This variant has not been reported in the literature in individuals affected with POLE-related conditions. Advanced modeling of protein sequence and biophysical properties (such as structural, functional, and spatial information, amino acid conservation, physicochemical variation, residue mobility, and thermodynamic stability) performed at Invitae indicates that this missense variant is not expected to disrupt POLE protein function with a negative predictive value of 80%. In summary, the available evidence is currently insufficient to determine the role of this variant in disease. Therefore, it has been classified as a Variant of Uncertain Significance.

NM_006231.4(POLE):c.5779G>A (p.Gly1927Arg)

Gene: POLE (DNA polymerase epsilon, catalytic subunit; minus strand). Cytogenetic location: 12q24.33.
Variant type: single nucleotide variant.
Coding change: c.5779G>A on transcript NM_006231.4 (MANE Select); coding-DNA position 5779, G replaced by A.
Protein change: p.Gly1927Arg; replaces glycine 1927 with arginine.
Molecular consequence: missense variant.
Genome position (GRCh38, 1-based): chr12:132,635,924, C>T on the plus strand (G>A on the coding strand, the complement: POLE is on the minus strand). VCF-style: chr12-132635924-C-T. GRCh37 (hg19) VCF-style: chr12-133212510-C-T.
Other names: short protein forms G1927R.
Identifiers: ClinVar variation 3713477 (VCV003713477.2).